The following is an entry in ClinVar:

NM_002907.4(RECQL):c.1736T>A (p.Leu579Gln)

Genes: PYROXD1 (pyridine nucleotide-disulphide oxidoreductase domain 1; plus strand), RECQL (RecQ like helicase; minus strand). Cytogenetic location: 12p12.1.
Variant type: single nucleotide variant.
Coding change: c.1736T>A on transcript NM_002907.4 (MANE Select); coding-DNA position 1736, T replaced by A.
Protein change: p.Leu579Gln; replaces leucine 579 with glutamine.
Molecular consequence: missense variant. On other transcripts: 3 prime UTR variant (3).
Genome position (GRCh38, 1-based): chr12:21,471,030, A>T on the plus strand (T>A on the coding strand, the complement: RECQL is on the minus strand). VCF-style: chr12-21471030-A-T. GRCh37 (hg19) VCF-style: chr12-21623964-A-T.
Other names: c.1736T>A, p.Leu579Gln (NM_032941.3); c.*2276A>T (NM_001350912.2, NM_001350913.2, NM_024854.5); short protein forms L579Q.
Identifiers: ClinVar variation 1779088 (VCV001779088.2), dbSNP rs2540313939, ClinGen allele CA384114533.

ClinVar aggregate classification (germline): Uncertain significance (1 of 4 stars; one submission).

Submission:

Ambry Genetics
Classification: Uncertain significance. Last evaluated: 2022-08-23. Review status: criteria provided, single submitter. Criteria: Ambry Variant Classification Scheme 2023. Collection method: clinical testing. Allele origin: germline.
Comment: The p.L579Q variant (also known as c.1736T>A), located in coding exon 13 of the RECQL gene, results from a T to A substitution at nucleotide position 1736. The leucine at codon 579 is replaced by glutamine, an amino acid with dissimilar properties. This amino acid position is conserved. In addition, this alteration is predicted to be deleterious by in silico analysis. Since supporting evidence is limited at this time, the clinical significance of this alteration remains unclear.